The following is an entry in ClinVar:

NM_031844.3(HNRNPU):c.103A>C (p.Met35Leu)

Gene: HNRNPU (heterogeneous nuclear ribonucleoprotein U; minus strand). Cytogenetic location: 1q44.
Variant type: single nucleotide variant.
Coding change: c.103A>C on transcript NM_031844.3 (MANE Select); coding-DNA position 103, A replaced by C.
Protein change: p.Met35Leu; replaces methionine 35 with leucine.
Molecular consequence: missense variant.
Genome position (GRCh38, 1-based): chr1:244,864,205, T>G on the plus strand (A>C on the coding strand, the complement: HNRNPU is on the minus strand). VCF-style: chr1-244864205-T-G. GRCh37 (hg19) VCF-style: chr1-245027507-T-G.
Other names: c.103A>C, p.Met35Leu (NM_004501.3); short protein forms M35L.
Identifiers: ClinVar variation 2703051 (VCV002703051.3), dbSNP rs1260819558, ClinGen allele CA345498166.

ClinVar aggregate classification (germline): Uncertain significance (1 of 4 stars; one submission).

Conditions:
Developmental and epileptic encephalopathy, 54. Also called: HNRNPU-Related Neurodevelopmental Disorder; Epileptic encephalopathy, early infantile, 54. Identifiers: MedGen C4479319, MONDO:0033363, OMIM 617391.

Allele frequency attached by ClinVar (database versions not stated): gnomAD exomes below 0.00001; TOPMed 0.00003; gnomAD 0.00004.
gnomAD v4.1: 7 of 1,611,476 alleles (0.00043%); highest among the groups gnomAD compares: Admixed American, 0.012%; no homozygotes.

Submission:

Labcorp Genetics (formerly Invitae), Labcorp
Classification: Uncertain significance for Developmental and epileptic encephalopathy, 54. Last evaluated: 2023-12-14. Review status: criteria provided, single submitter. Criteria: Invitae Variant Classification Sherloc (09022015). Collection method: clinical testing. Allele origin: germline.
Comment: This sequence change replaces methionine, which is neutral and non-polar, with leucine, which is neutral and non-polar, at codon 35 of the HNRNPU protein (p.Met35Leu). This variant is present in population databases (no rsID available, gnomAD 0.003%). This variant has not been reported in the literature in individuals affected with HNRNPU-related conditions. An algorithm developed to predict the effect of missense changes on protein structure and function (PolyPhen-2) suggests that this variant is likely to be tolerated. In summary, the available evidence is currently insufficient to determine the role of this variant in disease. Therefore, it has been classified as a Variant of Uncertain Significance.